The following is an entry in ClinVar:

ClinVar aggregate classification (germline): Uncertain significance. Review status: criteria provided, multiple submitters, no conflicts (2 of 4 stars). 4 submissions from 4 submitters: Uncertain significance (4). Last evaluated 2025-09-25.

Conditions:
Inborn genetic diseases. Identifiers: MedGen C0950123, MeSH D030342.
Pseudohypoaldosteronism type 2B (PHA2B). Also called: Pseudohypoaldosteronism Type IIB. Identifiers: Orphanet 757, Orphanet 88939, MedGen C1840390, MONDO:0013777, OMIM 614491.

Allele frequency attached by ClinVar (database versions not stated): gnomAD 0.00002; TOPMed 0.00002; ExAC 0.00003; gnomAD exomes 0.00003 and 0.00005; ESP Exome Variant Server 0.00023.
gnomAD v4.1: 85 of 1,612,902 alleles (0.0053%); highest among the groups gnomAD compares: Non-Finnish European, 0.0064%; no homozygotes.

Submissions (4):

Labcorp Genetics (formerly Invitae), Labcorp
Classification: Uncertain significance. Last evaluated: 2025-09-25. Review status: criteria provided, single submitter. Criteria: Invitae Variant Classification Sherloc (09022015). Collection method: clinical testing. Allele origin: germline.
Comment: This sequence change replaces proline, which is neutral and non-polar, with alanine, which is neutral and non-polar, at codon 313 of the WNK4 protein (p.Pro313Ala). This variant is present in population databases (rs139202412, gnomAD 0.005%). This variant has not been reported in the literature in individuals affected with WNK4-related conditions. ClinVar contains an entry for this variant (Variation ID: 891764). Invitae Evidence Modeling of protein sequence and biophysical properties (such as structural, functional, and spatial information, amino acid conservation, physicochemical variation, residue mobility, and thermodynamic stability) indicates that this missense variant is not expected to disrupt WNK4 protein function with a negative predictive value of 95%. In summary, the available evidence is currently insufficient to determine the role of this variant in disease. Therefore, it has been classified as a Variant of Uncertain Significance.

Ambry Genetics
Classification: Uncertain significance for Inborn genetic diseases. Last evaluated: 2022-04-22. Review status: criteria provided, single submitter. Criteria: Ambry Variant Classification Scheme 2023. Collection method: clinical testing. Allele origin: germline.

Fulgent Genetics
Classification: Uncertain significance for Pseudohypoaldosteronism type 2B. Last evaluated: 2022-02-09. Review status: criteria provided, single submitter. Criteria: ACMG Guidelines, 2015. Collection method: clinical testing. Allele origin: unknown.

Illumina Laboratory Services, Illumina
Classification: Uncertain significance for Pseudohypoaldosteronism type 2B. Last evaluated: 2018-01-13. Review status: criteria provided, single submitter. Criteria: ICSL Variant Classification Criteria 13 December 2019. Collection method: clinical testing. Allele origin: germline.

NM_032387.5(WNK4):c.937C>G (p.Pro313Ala)

Genes: WNK4 (WNK lysine deficient protein kinase 4; plus strand), LOC126862568 (CDK7 strongly-dependent group 2 enhancer GRCh37_chr17:40934948-40936147; plus strand). Cytogenetic location: 17q21.2.
Variant type: single nucleotide variant.
Coding change: c.937C>G on transcript NM_032387.5 (MANE Select); coding-DNA position 937, C replaced by G.
Protein change: p.Pro313Ala; replaces proline 313 with alanine.
Molecular consequence: missense variant.
Genome position (GRCh38, 1-based): chr17:42,784,082, C>G. VCF-style: chr17-42784082-C-G. GRCh37 (hg19) VCF-style: chr17-40936100-C-G.
Other names: c.18C>G, p.Asp6Glu (NM_001321299.2); short protein forms P313A, D6E.
Identifiers: ClinVar variation 891764 (VCV000891764.8), dbSNP rs139202412, ClinGen allele CA8583833.